The following is an entry in ClinVar:

ClinVar aggregate classification (germline): Uncertain significance (1 of 4 stars; one submission).

Submission:

Women's Health and Genetics/Laboratory Corporation of America, LabCorp
Classification: Uncertain significance. Last evaluated: 2024-09-10. Review status: criteria provided, single submitter. Criteria: LabCorp Variant Classification Summary - May 2015. Collection method: clinical testing. Allele origin: germline.
Comment: Variant summary: The variant involves the duplication of exons 2-16 in the ATAD3B gene. A presumed nomenclature of c.(205+1_206-1)_(*2032_?)dup has been designated for the purposes of this classification. The exact breakpoint at the 3' end of this variant is unknown, therefore this duplication may extend downstream of the annotated region of the gene. As it duplicates the termination codon, its effect on the encoded protein is unknown. The variant allele was found at a frequency of 0.0013 in 21692 control chromosomes in the gnomAD database, including 1 homozygotes. This frequency is not significantly higher than estimated for a pathogenic variant in ATAD3B causing ATAD3B-Related Disorders, allowing no conclusion about variant significance. To our knowledge, no occurrence of c.(205+1_206-1)_(*2032_?)dup in individuals affected with ATAD3B-Related Disorders and no experimental evidence demonstrating its impact on protein function have been reported. No submitters have cited clinical-significance assessments for this variant to ClinVar. Based on the evidence outlined above, the variant was classified as uncertain significance.

NC_000001.10:g.(1407470_1412653)_(1433229_?)dup

Gene: ATAD3B (ATPase family AAA domain containing 3B; plus strand). Cytogenetic location: 1p36.33.
Variant type: Duplication.
Identifiers: ClinVar variation 3374918 (VCV003374918.1).